The following is an entry in ClinVar:

ClinVar aggregate classification (germline): Uncertain significance (1 of 4 stars; one submission).

Allele frequency attached by ClinVar (database versions not stated): ExAC 0.00003.
gnomAD v4.1: 12 of 1,596,190 alleles (0.00075%); highest among the groups gnomAD compares: South Asian, 0.013%; no homozygotes.

Submission:

Labcorp Genetics (formerly Invitae), Labcorp
Classification: Uncertain significance. Last evaluated: 2024-01-04. Review status: criteria provided, single submitter. Criteria: Invitae Variant Classification Sherloc (09022015). Collection method: clinical testing. Allele origin: germline.
Comment: This sequence change falls in intron 48 of the HMCN1 gene. It does not directly change the encoded amino acid sequence of the HMCN1 protein. It affects a nucleotide within the consensus splice site. This variant is present in population databases (rs754919770, gnomAD 0.02%). This variant has not been reported in the literature in individuals affected with HMCN1-related conditions. Variants that disrupt the consensus splice site are a relatively common cause of aberrant splicing (PMID: 17576681, 9536098). Algorithms developed to predict the effect of sequence changes on RNA splicing suggest that this variant is not likely to affect RNA splicing. In summary, the available evidence is currently insufficient to determine the role of this variant in disease. Therefore, it has been classified as a Variant of Uncertain Significance.

Literature cited by the submitters: PubMed 17576681; PubMed 9536098.

NM_031935.3(HMCN1):c.7513+6G>A

Gene: HMCN1 (hemicentin 1; plus strand). Cytogenetic location: 1q31.1.
Variant type: single nucleotide variant.
Coding change: c.7513+6G>A on transcript NM_031935.3 (MANE Select); 6 bases into the intron after coding-DNA position 7513, G replaced by A.
Molecular consequence: intron variant.
Genome position (GRCh38, 1-based): chr1:186,062,606, G>A. VCF-style: chr1-186062606-G-A. GRCh37 (hg19) VCF-style: chr1-186031738-G-A.
Identifiers: ClinVar variation 3005716 (VCV003005716.3), dbSNP rs754919770, ClinGen allele CA1292863.